The following is an entry in ClinVar:

NM_201384.3(PLEC):c.5689C>T (p.Gln1897Ter)

Gene: PLEC (plectin; minus strand). Cytogenetic location: 8q24.3.
Variant type: single nucleotide variant.
Coding change: c.5689C>T on transcript NM_201384.3 (MANE Select); coding-DNA position 5689, C replaced by T.
Protein change: p.Gln1897Ter; replaces glutamine 1897 with a stop codon.
Molecular consequence: nonsense.
Genome position (GRCh38, 1-based): chr8:143,924,240, G>A on the plus strand (C>T on the coding strand, the complement: PLEC is on the minus strand). VCF-style: chr8-143924240-G-A. GRCh37 (hg19) VCF-style: chr8-144998408-G-A.
Other names: c.5770C>T, p.Gln1924Ter (NM_000445.5); c.5647C>T, p.Gln1883Ter (NM_201378.4); c.5623C>T, p.Gln1875Ter (NM_201379.3); c.6100C>T, p.Gln2034Ter (NM_201380.4); c.5593C>T, p.Gln1865Ter (NM_201381.3); c.5689C>T, p.Gln1897Ter (NM_201382.4); c.5701C>T, p.Gln1901Ter (NM_201383.3); short protein forms Q1883*, Q1901*, Q1897*, Q1865*, Q1875*, Q1924*, Q2034*.
Identifiers: ClinVar variation 2136716 (VCV002136716.4), dbSNP rs2537869606, ClinGen allele CA372542537.

ClinVar aggregate classification (germline): Pathogenic (1 of 4 stars; one submission).

Conditions:
Epidermolysis bullosa simplex with nail dystrophy (EBS5D). Identifiers: MedGen C4225309, MONDO:0014661, OMIM 616487.
Epidermolysis bullosa simplex 5C, with pyloric atresia (EBS5C). Also called: Epidermolysis bullosa simplex with pyloric atresia; PLEC-Related Epidermolysis Bullosa with Pyloric Atresia; PLEC1-Related Epidermolysis Bullosa with Pyloric Atresia. Identifiers: Orphanet 158684, MedGen C2677349, MONDO:0012807, OMIM 612138.
Autosomal recessive limb-girdle muscular dystrophy type 2Q (LGMDR17). Also called: MUSCULAR DYSTROPHY, LIMB-GIRDLE, AUTOSOMAL RECESSIVE 17. Identifiers: Orphanet 254361, MedGen C3150989, MONDO:0013390, OMIM 613723.
Epidermolysis bullosa simplex 5B, with muscular dystrophy (EBS5B). Also called: Epidermolysis bullosa simplex with muscular dystrophy; EPIDERMOLYSIS BULLOSA SIMPLEX AND LIMB-GIRDLE MUSCULAR DYSTROPHY. Identifiers: Orphanet 257, MedGen C2931072, MONDO:0009181, OMIM 226670.
Epidermolysis bullosa simplex, Ogna type (EBS5A). Also called: Pidermolysis bullosa simplex 5A, Ogna type; EPIDERMOLYSIS BULLOSA SIMPLEX 5A, OGNA TYPE. Identifiers: Orphanet 79401, MedGen C0432317, MONDO:0007555, OMIM 131950.

gnomAD v4.1: 1 of 1,598,300 alleles (0.000063%); no homozygotes.

Submission:

Labcorp Genetics (formerly Invitae), Labcorp
Classification: Pathogenic for Autosomal recessive limb-girdle muscular dystrophy type 2Q; Epidermolysis bullosa simplex, Ogna type; Epidermolysis bullosa simplex with nail dystrophy; Epidermolysis bullosa simplex 5C, with pyloric atresia; Epidermolysis bullosa simplex 5B, with muscular dystrophy. Last evaluated: 2022-08-06. Review status: criteria provided, single submitter. Criteria: Invitae Variant Classification Sherloc (09022015). Collection method: clinical testing. Allele origin: germline.
Comment: For these reasons, this variant has been classified as Pathogenic. This premature translational stop signal has been observed in individual(s) with epidermolysis bullosa simplex (PMID: 23289980). This variant is not present in population databases (gnomAD no frequency). This sequence change creates a premature translational stop signal (p.Gln1924*) in the PLEC gene. It is expected to result in an absent or disrupted protein product. Loss-of-function variants in PLEC are known to be pathogenic (PMID: 20301336, 20447487, 21109228, 23289980, 28824526).

Literature cited by the submitters: PubMed 23289980; PubMed 20301336; PubMed 20447487; PubMed 21109228; PubMed 28824526.